The following is an entry in ClinVar:

ClinVar aggregate classification (germline): Benign/Likely benign. Review status: criteria provided, multiple submitters, no conflicts (2 of 4 stars). 4 submissions from 4 submitters: Benign (1); Likely benign (3). Last evaluated 2025-01-17.

Conditions:
Familial cancer of breast. Also called: BREAST CANCER, FAMILIAL; Hereditary breast cancer; hereditary breast carcinoma. Identifiers: Orphanet 227535, MedGen C0346153, MONDO:0016419, OMIM 114480. Disease mechanism: loss of function.
Hereditary cancer-predisposing syndrome. Also called: Neoplastic Syndromes, Hereditary; Tumor predisposition; Hereditary Cancer Syndrome; Hereditary neoplastic syndrome. Identifiers: Orphanet 140162, MedGen C0027672, MeSH D009386, MONDO:0015356.

Submissions (4):

Myriad Genetics, Inc.
Classification: Benign for Familial cancer of breast. Last evaluated: 2025-01-17. Review status: criteria provided, single submitter. Criteria: Myriad Autosomal Dominant, Autosomal Recessive and X-Linked Classification Criteria (2023). Collection method: clinical testing. Allele origin: unknown.
Comment: This variant is considered benign. This variant is a silent/synonymous amino acid change and it is not expected to impact splicing.

Labcorp Genetics (formerly Invitae), Labcorp
Classification: Likely benign for Familial cancer of breast. Last evaluated: 2021-09-02. Review status: criteria provided, single submitter. Criteria: Invitae Variant Classification Sherloc (09022015). Collection method: clinical testing. Allele origin: germline.

Sema4
Classification: Likely benign for Hereditary cancer-predisposing syndrome. Last evaluated: 2021-05-28. Review status: criteria provided, single submitter. Criteria: Sema4 Curation Guidelines. Collection method: curation. Allele origin: germline.

Ambry Genetics
Classification: Likely benign for Hereditary cancer-predisposing syndrome. Last evaluated: 2018-10-19. Review status: criteria provided, single submitter. Criteria: Ambry Variant Classification Scheme 2023. Collection method: clinical testing. Allele origin: germline.

NM_024675.4(PALB2):c.2592T>C (p.Pro864=)

Gene: PALB2 (partner and localizer of BRCA2; minus strand). Cytogenetic location: 16p12.2.
Variant type: single nucleotide variant.
Coding change: c.2592T>C on transcript NM_024675.4 (MANE Select); coding-DNA position 2592, T replaced by C.
Protein change: p.Pro864=; no amino-acid change (proline 864 retained).
Molecular consequence: synonymous variant.
Genome position (GRCh38, 1-based): chr16:23,626,392, A>G on the plus strand (T>C on the coding strand, the complement: PALB2 is on the minus strand). VCF-style: chr16-23626392-A-G. GRCh37 (hg19) VCF-style: chr16-23637713-A-G.
Identifiers: ClinVar variation 821456 (VCV000821456.14), dbSNP rs1597085410, ClinGen allele CA494161334.